The following is an entry in ClinVar:

NM_001379659.1(ZNF142):c.2423G>A (p.Arg808His)

Gene: ZNF142 (zinc finger protein 142; minus strand). Cytogenetic location: 2q35.
Variant type: single nucleotide variant.
Coding change: c.2423G>A on transcript NM_001379659.1 (MANE Select); coding-DNA position 2423, G replaced by A.
Protein change: p.Arg808His; replaces arginine 808 with histidine.
Molecular consequence: missense variant.
Genome position (GRCh38, 1-based): chr2:218,644,693, C>T on the plus strand (G>A on the coding strand, the complement: ZNF142 is on the minus strand). VCF-style: chr2-218644693-C-T. GRCh37 (hg19) VCF-style: chr2-219509416-C-T.
Other names: c.1823G>A, p.Arg608His (NM_001105537.5, NM_001366291.3, NM_001379662.1); c.1334G>A, p.Arg445His (NM_001366287.3, NM_001366288.3, NM_001366289.3); c.2423G>A, p.Arg808His (NM_001366290.3, NM_001379660.1, NM_001379661.1); short protein forms R445H, R608H, R808H.
Identifiers: ClinVar variation 4278753 (VCV004278753.1).

ClinVar aggregate classification (germline): Uncertain significance (1 of 4 stars; one submission).

Submission:

GeneDx
Classification: Uncertain significance. Last evaluated: 2025-04-04. Review status: criteria provided, single submitter. Criteria: GeneDx Variant Classification Process June 2021. Collection method: clinical testing. Allele origin: germline. Affected: yes.
Comment: In silico analysis indicates that this missense variant does not alter protein structure/function; Has not been previously published as pathogenic or benign to our knowledge